The following is an entry in ClinVar:

NM_001048174.2(MUTYH):c.1148_1156del (p.Pro383_Glu385del)

Gene: MUTYH (mutY DNA glycosylase; minus strand). Cytogenetic location: 1p34.1.
Variant type: Deletion.
Coding change: c.1148_1156del on transcript NM_001048174.2 (MANE Select); coding-DNA positions 1148 to 1156, 9 bases deleted (CCTCAGAGC; older notation c.1148_1156delCCTCAGAGC).
Protein change: p.Pro383_Glu385del.
Molecular consequence: inframe deletion. On other transcripts: non-coding transcript variant (7).
Genome position (GRCh38, 1-based): chr1:45,331,503-45,331,511, GCTCTGAGG deleted on the plus strand (CCTCAGAGC on the coding strand, the reverse complement: MUTYH is on the minus strand); deleting any 9 consecutive bases within chr1:45,331,503-45,331,515 gives the same sequence; the c. name uses the placement nearest the transcript's 3' end. VCF-style (leftmost placement, unchanged base first): chr1-45331502-TGCTCTGAGG-T. GRCh37 (hg19) VCF-style: chr1-45797174-TGCTCTGAGG-T.
Other names: c.1148_1156del, p.Pro383_Glu385del (NM_001048171.2, NM_001048173.2, NM_001293195.2 and 6 more transcripts); c.1151_1159del, p.Pro384_Glu386del (NM_001048172.2, NM_001407071.1, NM_001407078.1 and 1 more transcripts); c.1232_1240del, p.Pro411_Glu413del (NM_001128425.2); c.1193_1201del, p.Pro398_Glu400del (NM_001293190.2); c.1181_1189del, p.Pro394_Glu396del (NM_001293191.2, NM_001407069.1, NM_001407077.1); c.872_880del, p.Pro291_Glu293del (NM_001293192.2, NM_001293196.2, NM_001407091.1); c.803_811del, p.Pro268_Glu270del (NM_001350650.2, NM_001350651.2, NM_001407082.1); c.1064_1072del, p.Pro355_Glu357del (NM_001407075.1); and 5 more.
Identifiers: ClinVar variation 2878089 (VCV002878089.4), dbSNP rs2523962191, ClinGen allele CA2739272329.
Genomic context (GRCh38, chr1:45,331,502, plus strand): 5'-GTGGCTGGGAGGGGCCCAGCCCAACGCTGTAGTTCCTGCAGCAGGGCCTTGCGCTGAAGC[TGCTCTGAGG>T]GCTCCCAGGTCACGGACGGGAACTCCCACAGTCCTGCCAGCAGACCTGAGAGGGAGGGCA-3'

ClinVar aggregate classification (germline): Uncertain significance. Review status: criteria provided, multiple submitters, no conflicts (2 of 4 stars). 2 submissions from 2 submitters: Uncertain significance (2). Last evaluated 2024-08-19.

Conditions:
Familial adenomatous polyposis 2. Also called: COLORECTAL ADENOMATOUS POLYPOSIS, AUTOSOMAL RECESSIVE; ADENOMAS, MULTIPLE COLORECTAL, AUTOSOMAL RECESSIVE; MUTYH-related attenuated familial adenomatous polyposis; MUTYH-associated polyposis; MYH-associated polyposis; MUTYH Polyposis. Identifiers: Orphanet 220460, Orphanet 247798, MedGen C3272841, MONDO:0012041, OMIM 608456.

Submissions (2):

Labcorp Genetics (formerly Invitae), Labcorp
Classification: Uncertain significance for Familial adenomatous polyposis 2. Last evaluated: 2024-08-19. Review status: criteria provided, single submitter. Criteria: Invitae Variant Classification Sherloc (09022015). Collection method: clinical testing. Allele origin: germline.
Comment: This variant, c.1232_1240del, results in the deletion of 3 amino acid(s) of the MUTYH protein (p.Pro411_Glu413del), but otherwise preserves the integrity of the reading frame. This variant is not present in population databases (gnomAD no frequency). This variant has not been reported in the literature in individuals affected with MUTYH-related conditions. In summary, the available evidence is currently insufficient to determine the role of this variant in disease. Therefore, it has been classified as a Variant of Uncertain Significance.

Baylor Genetics
Classification: Uncertain significance for Familial adenomatous polyposis 2. Last evaluated: 2023-11-18. Review status: criteria provided, single submitter. Criteria: ACMG Guidelines, 2015. Collection method: clinical testing. Allele origin: unknown.